The following is an entry in ClinVar:

ClinVar aggregate classification (germline): Conflicting classifications of pathogenicity. Review status: criteria provided, conflicting classifications (1 of 4 stars). 12 submissions from 12 submitters: Uncertain significance (3); Likely benign (7). 2 of the submissions do not count toward it. Last evaluated 2026-05-19.

Conditions:
Inherited breast cancer and ovarian cancer.
BRCA2-related disorder. Also called: BRCA2-related condition; BRCA2-related disorders. Identifiers: MedGen CN239275.
Hereditary cancer-predisposing syndrome. Also called: Hereditary Cancer Syndrome; Tumor predisposition; Neoplastic Syndromes, Hereditary; Hereditary neoplastic syndrome. Identifiers: Orphanet 140162, MedGen C0027672, MeSH D009386, MONDO:0015356.
Hereditary breast ovarian cancer syndrome. Also called: Breast and ovarian cancer; BRCA1- and BRCA2-Associated Hereditary Breast and Ovarian Cancer; Hereditary breast and ovarian cancer; Hereditary breast and ovarian cancer syndrome (HBOC); Hereditary breast and ovarian cancer syndrome; Hereditary breast and/or ovarian cancer syndrome. Identifiers: Orphanet 145, MedGen C0677776, MeSH D061325, MONDO:0003582. Disease mechanism: loss of function.
Breast-ovarian cancer, familial, susceptibility to, 2 (BROVCA2). Also called: BRCA2 Hereditary Breast and Ovarian Cancer. Identifiers: Orphanet 145, MedGen C2675520, MONDO:0012933, OMIM 612555. Disease mechanism: loss of function.
Malignant tumor of breast. Also called: Malignant breast neoplasm; Cancer breast. Identifiers: MedGen C0006142, MONDO:0007254. Disease mechanism: loss of function.

Allele frequency attached by ClinVar (database versions not stated): TOPMed 0.00002.
gnomAD v4.1: 110 of 1,613,654 alleles (0.0068%); highest among the groups gnomAD compares: East Asian, 0.013%; no homozygotes.

Submissions (12):

Genomics and Molecular Medicine Service, East Genomic Laboratory Hub, NHS Genomic Medicine Service
Classification: Uncertain significance for Inherited breast cancer and ovarian cancer. Last evaluated: 2026-05-19. Review status: criteria provided, single submitter. Criteria: ACGS Best Practice Guidelines for Variant Classification in Rare Disease 2020. Collection method: clinical testing. Allele origin: germline. Affected: yes.
Comment: BS3_Strong

PreventionGenetics, part of Exact Sciences
Classification: Likely benign for BRCA2-related condition. Last evaluated: 2026-05-11. Review status: criteria provided, single submitter. Criteria: ACMG Guidelines, 2015. Collection method: clinical testing. Allele origin: germline.
Comment: This variant is classified as likely benign based on ACMG/AMP sequence variant interpretation guidelines (Richards et al. 2015 PMID: 25741868, with internal and published modifications).

Labcorp Genetics (formerly Invitae), Labcorp
Classification: Likely benign for Hereditary breast ovarian cancer syndrome. Last evaluated: 2026-01-13. Review status: criteria provided, single submitter. Criteria: Invitae Variant Classification Sherloc (09022015). Collection method: clinical testing. Allele origin: germline.

Quest Diagnostics Nichols Institute San Juan Capistrano
Classification: Uncertain significance. Last evaluated: 2025-08-13. Review status: criteria provided, single submitter. Criteria: Quest Diagnostics criteria. Collection method: clinical testing. Allele origin: unknown.
Comment: The BRCA2 c.9104A>G (p.Tyr3035Cys) variant has been reported in individuals with breast cancer (PMIDs: 17972171 (2008), 20104584 (2010), 28222693 (2017), 29681614 (2018), 30287823 (2018), 31837001 (2020)), and biliary tract cancer (PMID: 36243179 (2022)). This variant has also been identified in reportedly unaffected individuals (PMIDs: 28222693 (2017), 30287823 (2018), 31837001 (2020), 32467295 (2020)). Additionally, functional studies report this variant has a neutral effect on BRCA2 protein function (PMIDs: 35736817 (2022), 33314489 (2021), 29394989 (2018)). The frequency of this variant in the general population, 0.00025 (5/19766 chromosomes), is uninformative in assessment of its pathogenicity. Analysis of this variant using bioinformatics tools for the prediction of the effect of amino acid changes on protein structure and function yielded predictions that this variant is benign. Based on the available information, we are unable to determine the clinical significance of this variant.

ARUP Laboratories, Molecular Genetics and Genomics, ARUP Laboratories
Classification: Likely benign. Last evaluated: 2025-02-13. Review status: criteria provided, single submitter. Criteria: ARUP Molecular Germline Variant Investigation Process 2024. Collection method: clinical testing. Allele origin: germline.

Women's Health and Genetics/Laboratory Corporation of America, LabCorp
Classification: Likely benign. Last evaluated: 2024-11-14. Review status: criteria provided, single submitter. Criteria: LabCorp Variant Classification Summary - May 2015. Collection method: clinical testing. Allele origin: germline.
Comment: Variant summary: BRCA2 c.9104A>G (p.Tyr3035Cys) results in a non-conservative amino acid change in the encoded protein sequence. Five of five in-silico tools predict a damaging effect of the variant on protein function. The variant allele was found at a frequency of 3.2e-05 in 281918 control chromosomes, predominantly at a frequency of 0.00022 within the East Asian subpopulation in the gnomAD database. The available data on variant occurrences in the general population are insufficient to allow any conclusion about variant significance. c.9104A>G has been reported in the literature in individuals affected with and/or undergoing testing for Hereditary Breast and Ovarian Cancer (e.g. Gorringe_2008, Thirthagiri_2008, Borg_2010, Hondow_2011, Lai_2017, Wen_2017, Apessos_2018, Liang_2018, Guo_2019) without strong evidence for causality. These reports do not provide unequivocal conclusions about association of the variant with Hereditary Breast And Ovarian Cancer Syndrome. Multiple publications report experimental evidence evaluating an impact on protein function. These results showed no damaging effect of this variant on homology directed repair (HDR) activity (Guidugli_2018, Hu_2022) and lack of sensitivity to DNA damage agents (Sullivan_2021). The following publications have been ascertained in the context of this evaluation (PMID: 29310832, 30702160, 20104584, 21520273, 25556339, 17972171, 29394989, 31837001, 29884841, 21702907, 35736817, 19043619, 28222693, 29681614, 30287823, 33314489, 18627636, 32123317, 28993434). ClinVar contains an entry for this variant (Variation ID: 52751). Based on the evidence outlined above, the variant was classified as likely benign.

GeneDx
Classification: Likely benign. Last evaluated: 2021-03-22. Review status: criteria provided, single submitter. Criteria: GeneDx Variant Classification Process June 2021. Collection method: clinical testing. Allele origin: germline. Affected: yes.
Comment: Observed in individuals with personal or family history of breast or ovarian cancer, but also in healthy controls (Thirthagiri 2008, Borg 2010, Capanu 2011, Dodova 2015, Lai 2017, Apessos 2018, Liang 2018, Wen 2018); Published functional studies suggest no damaging effect: homology-directed repair (HDR) activity comparable to wild type (Guidugli 2018); In silico analysis supports that this missense variant does not alter protein structure/function; This variant is associated with the following publications: (PMID: 21702907, 18627636, 21520273, 19043619, 20104584, 26183948, 28222693, 28993434, 29310832, 30702160, 29681614, 31131967, 29394989, 32123317, 31837001, 33314489, 29884841)

Color Diagnostics, LLC DBA Color Health
Classification: Likely benign for Hereditary cancer-predisposing syndrome. Last evaluated: 2021-01-28. Review status: criteria provided, single submitter. Criteria: ACMG Guidelines, 2015. Collection method: clinical testing. Allele origin: germline.

Ambry Genetics
Classification: Likely benign for Hereditary cancer-predisposing syndrome. Last evaluated: 2020-03-04. Review status: criteria provided, single submitter. Criteria: Ambry Variant Classification Scheme 2023. Collection method: clinical testing. Allele origin: germline.

CeGaT Center for Human Genetics Tuebingen
Classification: Uncertain significance. Last evaluated: 2019-11-01. Review status: criteria provided, single submitter. Criteria: CeGaT Center For Human Genetics Tuebingen Variant Classification Criteria Version 2. Collection method: clinical testing. Allele origin: germline. Affected: yes. Observed: 2 variant alleles.

Breast Cancer Information Core (BIC) (BRCA2)
Classification: Uncertain significance for Breast-ovarian cancer, familial 2. Last evaluated: 2004-02-20. Review status: no assertion criteria provided. Collection method: clinical testing. Allele origin: germline. Affected: yes. Observed: 3 variant alleles. Not counted in ClinVar's aggregate classification.

Department of Pathology and Laboratory Medicine, Sinai Health System
Classification: Uncertain significance for Malignant tumor of breast. Review status: no assertion criteria provided. Collection method: clinical testing. Allele origin: unknown. Affected: yes. Study: The Canadian Open Genetics Repository (COGR). Not counted in ClinVar's aggregate classification.
Comment: The p.Tyr3035Cys variant has been identified in 3 of 4580 proband chromosomes (frequency 0.001) in individuals with breast or ovarian cancers (Borg 2010, Thirthagiri 2008); however, control chromosomes from healthy individuals were not included in these studies. This variant was reported in the BIC database 3X as a variant of unknown clinical significance, and was also reported in the HGMD, LOVD and dbSNP databases. The p.Tyr3035 residue is conserved across mammals and computational analyses (PolyPhen2, SIFT, AlignGVGD, BLOSUM) suggest that the p.Tyr3035Cys variant may impact the protein. In addition, one functional in silico study predicts this variant to be likely deleterious (Karchin 2008). This increases the likelihood this variant may have clinical significance, however, this information is not predictive enough to assume pathogenicity and additional data is needed to support these findings. In summary, based on the above information the clinical significance of this variant cannot be determined at this time. This variant is classified as a variant of unknown significance.

Literature cited by the submitters: PubMed 28222693 (cited by 3 submitters); PubMed 35736817 (cited by Quest Diagnostics Nichols Institute San Juan Capistrano and Women's Health and Genetics/Laboratory Corporation of America, LabCorp); PubMed 30702160 (cited by 3 submitters); PubMed 29884841 (cited by 3 submitters); PubMed 28993434 (cited by 3 submitters); PubMed 17972171 (cited by 3 submitters); PubMed 29681614 (cited by 3 submitters); PubMed 30287823 (cited by 3 submitters); PubMed 29310832 (cited by 3 submitters); PubMed 29394989 (cited by 3 submitters); PubMed 36243179 (cited by Quest Diagnostics Nichols Institute San Juan Capistrano); PubMed 32467295 (cited by Quest Diagnostics Nichols Institute San Juan Capistrano); PubMed 31837001 (cited by Quest Diagnostics Nichols Institute San Juan Capistrano and Women's Health and Genetics/Laboratory Corporation of America, LabCorp); PubMed 32123317 (cited by Quest Diagnostics Nichols Institute San Juan Capistrano and Women's Health and Genetics/Laboratory Corporation of America, LabCorp); PubMed 33314489 (cited by Quest Diagnostics Nichols Institute San Juan Capistrano and Women's Health and Genetics/Laboratory Corporation of America, LabCorp); PubMed 31131967 (cited by Quest Diagnostics Nichols Institute San Juan Capistrano); PubMed 20104584 (cited by 3 submitters); PubMed 19043619 (cited by 3 submitters); PubMed 18627636 (cited by 3 submitters); PubMed 21520273 (cited by 3 submitters); PubMed 21702907 (cited by Quest Diagnostics Nichols Institute San Juan Capistrano and Women's Health and Genetics/Laboratory Corporation of America, LabCorp); PubMed 25556339 (cited by Women's Health and Genetics/Laboratory Corporation of America, LabCorp).

NM_000059.4(BRCA2):c.9104A>G (p.Tyr3035Cys)

Gene: BRCA2 (BRCA2 DNA repair associated; plus strand). Cytogenetic location: 13q13.1.
Variant type: single nucleotide variant.
Coding change: c.9104A>G on transcript NM_000059.4 (MANE Select); coding-DNA position 9104, A replaced by G.
Protein change: p.Tyr3035Cys; replaces tyrosine 3035 with cysteine.
Molecular consequence: missense variant.
Genome position (GRCh38, 1-based): chr13:32,379,900, A>G. VCF-style: chr13-32379900-A-G. GRCh37 (hg19) VCF-style: chr13-32954037-A-G.
Other names: p.Y3035C:TAT>TGT; short protein forms Y3035C.
Identifiers: ClinVar variation 52751 (VCV000052751.82), dbSNP rs80359165, ClinGen allele CA025981.